The following is an entry in ClinVar:

ClinVar aggregate classification (germline): Conflicting classifications of pathogenicity. Review status: criteria provided, conflicting classifications (1 of 4 stars). 2 submissions from 2 submitters: Uncertain significance (1); Likely benign (1). Last evaluated 2025-04-01.

Allele frequency attached by ClinVar (database versions not stated): gnomAD 0.00009; gnomAD exomes 0.00009; TOPMed 0.00011; ESP Exome Variant Server 0.00032; ExAC 0.00047.
gnomAD v4.1: 100 of 1,178,143 alleles (0.0085%); highest among the groups gnomAD compares: Non-Finnish European, 0.011%; no homozygotes.

Submissions (2):

CeGaT Center for Human Genetics Tuebingen
Classification: Likely benign. Last evaluated: 2025-04-01. Review status: criteria provided, single submitter. Criteria: CeGaT Center For Human Genetics Tuebingen Variant Classification Criteria Version 2. Collection method: clinical testing. Allele origin: germline. Affected: yes. Observed: 1 variant allele.
Comment: EFHC2: BP4, BS2

Ambry Genetics
Classification: Uncertain significance. Last evaluated: 2023-05-30. Review status: criteria provided, single submitter. Criteria: Ambry Variant Classification Scheme 2023. Collection method: clinical testing. Allele origin: germline.

NM_025184.4(EFHC2):c.1410A>G (p.Ile470Met)

Gene: EFHC2 (EF-hand domain containing 2; minus strand). Cytogenetic location: Xp11.3.
Variant type: single nucleotide variant.
Coding change: c.1410A>G on transcript NM_025184.4 (MANE Select); coding-DNA position 1410, A replaced by G.
Protein change: p.Ile470Met; replaces isoleucine 470 with methionine.
Molecular consequence: missense variant.
Genome position (GRCh38, 1-based): chrX:44,235,318, T>C on the plus strand (A>G on the coding strand, the complement: EFHC2 is on the minus strand). VCF-style: chrX-44235318-T-C. GRCh37 (hg19) VCF-style: chrX-44094564-T-C.
Other names: short protein forms I470M.
Identifiers: ClinVar variation 2518660 (VCV002518660.9), dbSNP rs368484783, ClinGen allele CA10391614.